The following is an entry in ClinVar:

ClinVar aggregate classification (germline): Uncertain significance. Review status: criteria provided, multiple submitters, no conflicts (2 of 4 stars). 2 submissions from 2 submitters: Uncertain significance (2). Last evaluated 2025-12-11.

Conditions:
Inborn genetic diseases. Identifiers: MedGen C0950123, MeSH D030342.

Allele frequency attached by ClinVar (database versions not stated): gnomAD 0.00001; TOPMed 0.00001; gnomAD exomes below 0.00001; ExAC 0.00001.
gnomAD v4.1: 7 of 1,613,756 alleles (0.00043%); highest among the groups gnomAD compares: Non-Finnish European, 0.00059%; no homozygotes.

Submissions (2):

Ambry Genetics
Classification: Uncertain significance for Inborn genetic diseases. Last evaluated: 2025-12-11. Review status: criteria provided, single submitter. Criteria: Ambry Variant Classification Scheme 2023. Collection method: clinical testing. Allele origin: germline.

Labcorp Genetics (formerly Invitae), Labcorp
Classification: Uncertain significance. Last evaluated: 2022-03-05. Review status: criteria provided, single submitter. Criteria: Invitae Variant Classification Sherloc (09022015). Collection method: clinical testing. Allele origin: germline.
Comment: This sequence change replaces proline, which is neutral and non-polar, with threonine, which is neutral and polar, at codon 1207 of the NBAS protein (p.Pro1207Thr). The frequency data for this variant in the population databases is considered unreliable, as metrics indicate poor data quality at this position in the gnomAD database. This variant has not been reported in the literature in individuals affected with NBAS-related conditions. Algorithms developed to predict the effect of missense changes on protein structure and function (SIFT, PolyPhen-2, Align-GVGD) all suggest that this variant is likely to be disruptive. In summary, the available evidence is currently insufficient to determine the role of this variant in disease. Therefore, it has been classified as a Variant of Uncertain Significance.

NM_015909.4(NBAS):c.3619C>A (p.Pro1207Thr)

Gene: NBAS (NBAS subunit of NRZ tethering complex; minus strand). Cytogenetic location: 2p24.3.
Variant type: single nucleotide variant.
Coding change: c.3619C>A on transcript NM_015909.4 (MANE Select); coding-DNA position 3619, C replaced by A.
Protein change: p.Pro1207Thr; replaces proline 1207 with threonine.
Molecular consequence: missense variant. On other transcripts: non-coding transcript variant (1).
Genome position (GRCh38, 1-based): chr2:15,374,692, G>T on the plus strand (C>A on the coding strand, the complement: NBAS is on the minus strand). VCF-style: chr2-15374692-G-T. GRCh37 (hg19) VCF-style: chr2-15514816-G-T.
Other names: c.3619C>A (NM_015909.2); short protein forms P1207T.
Identifiers: ClinVar variation 1521792 (VCV001521792.6), dbSNP rs763548001, ClinGen allele CA1535972.